The following is an entry in ClinVar:

NM_001206927.2(DNAH8):c.654G>A (p.Met218Ile)

Gene: DNAH8 (dynein axonemal heavy chain 8; plus strand). Cytogenetic location: 6p21.2.
Variant type: single nucleotide variant.
Coding change: c.654G>A on transcript NM_001206927.2 (MANE Select); coding-DNA position 654, G replaced by A.
Protein change: p.Met218Ile; replaces methionine 218 with isoleucine.
Molecular consequence: missense variant. On other transcripts: initiator codon variant (1).
Genome position (GRCh38, 1-based): chr6:38,734,517, G>A. VCF-style: chr6-38734517-G-A. GRCh37 (hg19) VCF-style: chr6-38702293-G-A.
Other names: c.3G>A, p.Met1Ile (NM_001371.4); short protein forms M218I, M1I.
Identifiers: ClinVar variation 2196055 (VCV002196055.5), dbSNP rs750965126, ClinGen allele CA3788005.

ClinVar aggregate classification (germline): Uncertain significance (1 of 4 stars; one submission).

Conditions:
Primary ciliary dyskinesia. Also called: Ciliary dyskinesia. Identifiers: Orphanet 244, MedGen C0008780, MONDO:0016575, HP:0012265.

Allele frequency attached by ClinVar (database versions not stated): gnomAD exomes below 0.00001; ExAC 0.00001; TOPMed 0.00001.
gnomAD v4.1: 3 of 1,613,810 alleles (0.00019%); highest among the groups gnomAD compares: Non-Finnish European, 0.00025%; no homozygotes.

Submission:

Labcorp Genetics (formerly Invitae), Labcorp
Classification: Uncertain significance for Primary ciliary dyskinesia. Last evaluated: 2024-10-14. Review status: criteria provided, single submitter. Criteria: Invitae Variant Classification Sherloc (09022015). Collection method: clinical testing. Allele origin: germline.
Comment: This sequence change replaces methionine, which is neutral and non-polar, with isoleucine, which is neutral and non-polar, at codon 218 of the DNAH8 protein (p.Met218Ile). This variant is present in population databases (rs750965126, gnomAD 0.002%). This variant has not been reported in the literature in individuals affected with DNAH8-related conditions. ClinVar contains an entry for this variant (Variation ID: 2196055). An algorithm developed to predict the effect of missense changes on protein structure and function outputs the following: PolyPhen-2: "Not Available". The isoleucine amino acid residue is found in multiple mammalian species, which suggests that this missense change does not adversely affect protein function. In summary, the available evidence is currently insufficient to determine the role of this variant in disease. Therefore, it has been classified as a Variant of Uncertain Significance.